The following is an entry in ClinVar:

NM_017654.4(SAMD9):c.4490A>C (p.Lys1497Thr)

Gene: SAMD9 (sterile alpha motif domain containing 9; minus strand). Cytogenetic location: 7q21.2.
Variant type: single nucleotide variant.
Coding change: c.4490A>C on transcript NM_017654.4 (MANE Select); coding-DNA position 4490, A replaced by C.
Protein change: p.Lys1497Thr; replaces lysine 1497 with threonine.
Molecular consequence: missense variant.
Genome position (GRCh38, 1-based): chr7:93,101,608, T>G on the plus strand (A>C on the coding strand, the complement: SAMD9 is on the minus strand). VCF-style: chr7-93101608-T-G. GRCh37 (hg19) VCF-style: chr7-92730921-T-G.
Other names: c.4490A>C, p.Lys1497Thr (NM_001193307.2); short protein forms K1497T.
Identifiers: ClinVar variation 4863767 (VCV004863767.1).

ClinVar aggregate classification (germline): Uncertain significance (1 of 4 stars; one submission).

Conditions:
Inborn genetic diseases. Identifiers: MedGen C0950123, MeSH D030342.

Submission:

Ambry Genetics
Classification: Uncertain significance for Inborn genetic diseases. Last evaluated: 2026-03-23. Review status: criteria provided, single submitter. Criteria: Ambry Variant Classification Scheme 2023. Collection method: clinical testing. Allele origin: germline.
Comment: The p.K1497T variant (also known as c.4490A>C), located in coding exon 1 of the SAMD9 gene, results from an A to C substitution at nucleotide position 4490. The lysine at codon 1497 is replaced by threonine, an amino acid with similar properties. This amino acid position is conserved. In addition, this alteration is predicted to be tolerated by in silico analysis. Based on the available evidence, the clinical significance of this variant remains unclear.